The following is an entry in ClinVar:

ClinVar aggregate classification (germline): Uncertain significance (1 of 4 stars; one submission).

Conditions:
Inborn genetic diseases. Identifiers: MedGen C0950123, MeSH D030342.

gnomAD v4.1: 1 of 1,614,210 alleles (0.000062%); highest among the groups gnomAD compares: Admixed American, 0.0017%; no homozygotes.

Submission:

Ambry Genetics
Classification: Uncertain significance for Inborn genetic diseases. Last evaluated: 2025-05-31. Review status: criteria provided, single submitter. Criteria: Ambry Variant Classification Scheme 2023. Collection method: clinical testing. Allele origin: germline.
Comment: The p.F128Y variant (also known as c.383T>A), located in coding exon 1 of the FANCM gene, results from a T to A substitution at nucleotide position 383. The phenylalanine at codon 128 is replaced by tyrosine, an amino acid with highly similar properties. This amino acid position is conserved. In addition, this alteration is predicted to be tolerated by in silico analysis. Based on the available evidence, the clinical significance of this variant remains unclear.

NM_020937.4(FANCM):c.383T>A (p.Phe128Tyr)

Gene: FANCM (FA complementation group M; plus strand). Cytogenetic location: 14q21.2.
Variant type: single nucleotide variant.
Coding change: c.383T>A on transcript NM_020937.4 (MANE Select); coding-DNA position 383, T replaced by A.
Protein change: p.Phe128Tyr; replaces phenylalanine 128 with tyrosine.
Molecular consequence: missense variant.
Genome position (GRCh38, 1-based): chr14:45,136,414, T>A. VCF-style: chr14-45136414-T-A. GRCh37 (hg19) VCF-style: chr14-45605617-T-A.
Other names: c.383T>A, p.Phe128Tyr (NM_001308133.2, NM_001308134.2); short protein forms F128Y.
Identifiers: ClinVar variation 4022830 (VCV004022830.1).